The following is an entry in ClinVar:

ClinVar aggregate classification (germline): Conflicting classifications of pathogenicity. Review status: criteria provided, conflicting classifications (1 of 4 stars). 7 submissions from 7 submitters: Uncertain significance (5); Benign (1); Likely benign (1). Last evaluated 2026-09-17.

Conditions:
PIEZO1-related disorder. Also called: PIEZO1-related condition; PIEZO1-Related Disorders.
Inborn genetic diseases. Identifiers: MedGen C0950123, MeSH D030342.

Allele frequency attached by ClinVar (database versions not stated): ExAC 0.00017; 1000 Genomes Project 0.00020; 1000 Genomes Project 30x 0.00031.

Submissions (7):

PreventionGenetics, part of Exact Sciences
Classification: Uncertain significance for PIEZO1-related condition. Last evaluated: 2026-09-17. Review status: criteria provided, single submitter. Criteria: ACMG Guidelines, 2015. Collection method: clinical testing. Allele origin: germline.
Comment: The PIEZO1 c.2132T>A variant is predicted to result in the amino acid substitution p.Met711Lys. To our knowledge, this variant has not been reported in the literature. This variant is reported in 0.066% of alleles in individuals of European (Non-Finnish) descent in gnomAD. Although we suspect that this variant may be benign, at this time, the clinical significance of this variant is uncertain due to the absence of conclusive functional and genetic evidence.

Labcorp Genetics (formerly Invitae), Labcorp
Classification: Benign. Last evaluated: 2026-01-15. Review status: criteria provided, single submitter. Criteria: Invitae Variant Classification Sherloc (09022015). Collection method: clinical testing. Allele origin: germline.

GeneDx
Classification: Uncertain significance. Last evaluated: 2026-01-12. Review status: criteria provided, single submitter. Criteria: GeneDx Variant Classification Process June 2021. Collection method: clinical testing. Allele origin: germline.
Comment: In silico analysis supports that this missense variant has a deleterious effect on protein structure/function; Has not been previously published as pathogenic or benign to our knowledge; This variant is associated with the following publications: (PMID: Terri2022[Abstract])

ARUP Laboratories, Molecular Genetics and Genomics, ARUP Laboratories
Classification: Likely benign. Last evaluated: 2025-05-10. Review status: criteria provided, single submitter. Criteria: ARUP Molecular Germline Variant Investigation Process 2024. Collection method: clinical testing. Allele origin: germline.

Mayo Clinic Laboratories, Mayo Clinic
Classification: Uncertain significance. Last evaluated: 2024-12-10. Review status: criteria provided, single submitter. Criteria: ACMG Guidelines, 2015. Collection method: clinical testing. Allele origin: germline. Observed: 2 variant alleles.
Comment: BP4

Ambry Genetics
Classification: Uncertain significance for Inborn genetic diseases. Last evaluated: 2024-09-09. Review status: criteria provided, single submitter. Criteria: Ambry Variant Classification Scheme 2023. Collection method: clinical testing. Allele origin: germline.

CeGaT Center for Human Genetics Tuebingen
Classification: Uncertain significance. Last evaluated: 2024-07-01. Review status: criteria provided, single submitter. Criteria: CeGaT Center For Human Genetics Tuebingen Variant Classification Criteria Version 2. Collection method: clinical testing. Allele origin: germline. Affected: yes. Observed: 1 variant allele.
Comment: PIEZO1: PM2:Supporting

NM_001142864.4(PIEZO1):c.2132T>A (p.Met711Lys)

Genes: HSALR1 (HSP90AB1 associated lncRNA 1; plus strand), PIEZO1 (piezo type mechanosensitive ion channel component 1 (Er blood group); minus strand). Cytogenetic location: 16q24.3.
Variant type: single nucleotide variant.
Coding change: c.2132T>A on transcript NM_001142864.4 (MANE Select); coding-DNA position 2132, T replaced by A.
Protein change: p.Met711Lys; replaces methionine 711 with lysine.
Molecular consequence: missense variant.
Genome position (GRCh38, 1-based): chr16:88,734,404, A>T on the plus strand (T>A on the coding strand, the complement: PIEZO1 is on the minus strand). VCF-style: chr16-88734404-A-T. GRCh37 (hg19) VCF-style: chr16-88800812-A-T.
Other names: p.Met711Lys; c.2132T>A (NM_001142864.3); c.677T>A, p.Met226Lys (NM_014745.1); short protein forms M226K, M711K.
Identifiers: ClinVar variation 2059764 (VCV002059764.28), dbSNP rs534048899, ClinGen allele CA8232864.